The following is an entry in ClinVar:

NM_001184.4(ATR):c.7354A>T (p.Ser2452Cys)

Gene: ATR (ATR checkpoint kinase; minus strand). Cytogenetic location: 3q23.
Variant type: single nucleotide variant.
Coding change: c.7354A>T on transcript NM_001184.4 (MANE Select); coding-DNA position 7354, A replaced by T.
Protein change: p.Ser2452Cys; replaces serine 2452 with cysteine.
Molecular consequence: missense variant.
Genome position (GRCh38, 1-based): chr3:142,459,107, T>A on the plus strand (A>T on the coding strand, the complement: ATR is on the minus strand). VCF-style: chr3-142459107-T-A. GRCh37 (hg19) VCF-style: chr3-142177949-T-A.
Other names: c.7162A>T, p.Ser2388Cys (NM_001354579.2); short protein forms S2452C, S2388C.
Identifiers: ClinVar variation 1758464 (VCV001758464.3), dbSNP rs1182283354, ClinGen allele CA354796389.

ClinVar aggregate classification (germline): Uncertain significance. Review status: criteria provided, multiple submitters, no conflicts (2 of 4 stars). 2 submissions from 2 submitters: Uncertain significance (2). Last evaluated 2024-05-24.

Conditions:
Inborn genetic diseases. Identifiers: MedGen C0950123, MeSH D030342.

Submissions (2):

Women's Health and Genetics/Laboratory Corporation of America, LabCorp
Classification: Uncertain significance. Last evaluated: 2024-05-24. Review status: criteria provided, single submitter. Criteria: LabCorp Variant Classification Summary - May 2015. Collection method: clinical testing. Allele origin: germline.
Comment: Variant summary: ATR c.7354A>T (p.Ser2452Cys) results in a non-conservative amino acid change located in the phosphatidylinositol 3-/4-kinase, catalytic domain (IPR000403) of the encoded protein sequence. Five of five in-silico tools predict a damaging effect of the variant on protein function. The variant allele was found at a frequency of 4e-06 in 251174 control chromosomes. The available data on variant occurrences in the general population are insufficient to allow any conclusion about variant significance. To our knowledge, no occurrence of c.7354A>T in individuals affected with Seckel Syndrome 1 and no experimental evidence demonstrating its impact on protein function have been reported. ClinVar contains an entry for this variant (Variation ID: 1758464). Based on the evidence outlined above, the variant was classified as uncertain significance.

Ambry Genetics
Classification: Uncertain significance for Inborn genetic diseases. Last evaluated: 2021-07-23. Review status: criteria provided, single submitter. Criteria: Ambry Variant Classification Scheme 2023. Collection method: clinical testing. Allele origin: germline.
Comment: The p.S2452C variant (also known as c.7354A>T), located in coding exon 44 of the ATR gene, results from an A to T substitution at nucleotide position 7354. The serine at codon 2452 is replaced by cysteine, an amino acid with dissimilar properties. This amino acid position is conserved. In addition, the in silico prediction for this alteration is inconclusive. Since supporting evidence is limited at this time, the clinical significance of this alteration remains unclear.